The following is an entry in ClinVar:

NM_001377.3(DYNC2H1):c.2del (p.Met1fs)

Gene: DYNC2H1 (dynein cytoplasmic 2 heavy chain 1; plus strand). Cytogenetic location: 11q22.3.
Variant type: Deletion.
Coding change: c.2del on transcript NM_001377.3 (MANE Select); coding-DNA position 2, one base deleted (T; older notation c.2delT).
Protein change: p.Met1fs; shifts the reading frame from methionine 1.
Molecular consequence: frameshift variant, initiator codon variant.
Genome position (GRCh38, 1-based): chr11:103,109,576, T deleted. VCF-style (leftmost placement, unchanged base first): chr11-103109575-AT-A. GRCh37 (hg19) VCF-style: chr11-102980304-AT-A.
Other names: c.2del, p.Met1fs (NM_001080463.2); short protein forms M1fs.
Identifiers: ClinVar variation 934203 (VCV000934203.4), dbSNP rs752782000, ClinGen allele CA6252369.

ClinVar aggregate classification (germline): Uncertain significance. Review status: criteria provided, multiple submitters, no conflicts (2 of 4 stars). 2 submissions from 2 submitters: Uncertain significance (2). Last evaluated 2025-07-28.

Conditions:
Jeune thoracic dystrophy. Also called: Short-rib thoracic dysplasia; Infantile thoracic dystrophy; Thoracic pelvic phalangeal dystrophy; Jeune's syndrome; Chondroectodermal dysplasia-like syndrome; Jeune syndrome. Identifiers: Orphanet 474, MedGen C0265275, MONDO:0018770.

Allele frequency attached by ClinVar (database versions not stated): gnomAD exomes below 0.00001; TOPMed below 0.00001; ExAC 0.00001; gnomAD 0.00001.

Submissions (2):

Labcorp Genetics (formerly Invitae), Labcorp
Classification: Uncertain significance for Jeune thoracic dystrophy. Last evaluated: 2025-07-28. Review status: criteria provided, single submitter. Criteria: Invitae Variant Classification Sherloc (09022015). Collection method: clinical testing. Allele origin: germline.
Comment: This sequence change affects the initiator codon of the DYNC2H1 mRNA. This change may impact translation initiation or efficiency. The next in-frame methionine is located at codon 24. The frequency data for this variant in the population databases is considered unreliable, as metrics indicate poor data quality at this position in the gnomAD database. This variant has not been reported in the literature in individuals affected with DYNC2H1-related conditions. ClinVar contains an entry for this variant (Variation ID: 934203). Algorithms developed to predict the effect of sequence changes on RNA splicing suggest that this variant may create or strengthen a splice site. In summary, the available evidence is currently insufficient to determine the role of this variant in disease. Therefore, it has been classified as a Variant of Uncertain Significance.

Blueprint Genetics
Classification: Uncertain significance. Last evaluated: 2022-03-14. Review status: criteria provided, single submitter. Criteria: ACMG Guidelines, 2015. Collection method: clinical testing. Allele origin: germline.